The following is an entry in ClinVar:

NM_001144967.3(NEDD4L):c.1249A>G (p.Ile417Val)

Gene: NEDD4L (NEDD4 like E3 ubiquitin protein ligase; plus strand). Cytogenetic location: 18q21.31.
Variant type: single nucleotide variant.
Coding change: c.1249A>G on transcript NM_001144967.3 (MANE Select); coding-DNA position 1249, A replaced by G.
Protein change: p.Ile417Val; replaces isoleucine 417 with valine.
Molecular consequence: missense variant. On other transcripts: intron variant (1).
Genome position (GRCh38, 1-based): chr18:58,341,161, A>G. VCF-style: chr18-58341161-A-G. GRCh37 (hg19) VCF-style: chr18-56008393-A-G.
Other names: c.886A>G, p.Ile296Val (NM_001144964.1, NM_001144965.2, NM_001144966.3); c.1225A>G, p.Ile409Val (NM_001144968.2); c.1165A>G, p.Ile389Val (NM_001144969.2); c.826A>G, p.Ile276Val (NM_001144970.3, NM_001144971.2); c.1189A>G, p.Ile397Val (NM_015277.6); c.1066-517A>G (NM_001243960.2); short protein forms I397V, I417V, I276V, I296V, I389V, I409V.
Identifiers: ClinVar variation 391359 (VCV000391359.13), dbSNP rs1057524052, ClinGen allele CA16607958.

ClinVar aggregate classification (germline): Conflicting classifications of pathogenicity. Review status: criteria provided, conflicting classifications (1 of 4 stars). 2 submissions from 2 submitters: Uncertain significance (1); Benign (1). Last evaluated 2025-10-10.

Allele frequency attached by ClinVar (database versions not stated): gnomAD exomes 0.00001.
gnomAD v4.1: 8 of 1,612,748 alleles (0.0005%); highest among the groups gnomAD compares: East Asian, 0.0022%; no homozygotes.

Submissions (2):

Labcorp Genetics (formerly Invitae), Labcorp
Classification: Benign. Last evaluated: 2025-10-10. Review status: criteria provided, single submitter. Criteria: Invitae Variant Classification Sherloc (09022015). Collection method: clinical testing. Allele origin: germline.

GeneDx
Classification: Uncertain significance. Last evaluated: 2016-12-19. Review status: criteria provided, single submitter. Criteria: GeneDx Variant Classification (06012015). Collection method: clinical testing. Allele origin: germline. Affected: yes.
Comment: The I397V variant in the NEDD4L gene has not been reported previously as a pathogenic variant, nor as a benign variant, to our knowledge. The I397V variant was not observed in approximately 6200 individuals of European and African American ancestry in the NHLBI Exome Sequencing Project, indicating it is not a common benign variant in these populations. The I397V variant is a conservative amino acid substitution, which is not likely to impact secondary protein structure as these residues share similar properties. This substitution occurs at a position that is conserved across species, however, in silico analysis is inconsistent in its predictions as to whether or not the variant is damaging to the protein structure/function. Therefore, we interpret I397V as a variant of uncertain significance.